The following is an entry in ClinVar:

NM_001267550.2(TTN):c.70785_70788dup (p.Glu23597delinsAsnTer)

Genes: TTN (titin; minus strand), TTN-AS1 (TTN antisense RNA 1; plus strand). Cytogenetic location: 2q31.2.
Variant type: Duplication.
Coding change: c.70785_70788dup on transcript NM_001267550.2 (MANE Select); coding-DNA positions 70785 to 70788, 4 bases duplicated (AACT; older notation c.70785_70788dupAACT).
Protein change: p.Glu23597delinsAsnTer.
Molecular consequence: nonsense.
Genome position (GRCh38, 1-based): chr2:178,575,344-178,575,347, AGTT duplicated on the plus strand (AACT on the coding strand, the reverse complement: TTN is on the minus strand); duplicating any 4 consecutive bases within chr2:178,575,344-178,575,349 gives the same sequence; the c. name uses the placement nearest the transcript's 3' end. VCF-style (leftmost placement, unchanged base first): chr2-178575343-C-CAGTT. GRCh37 (hg19) VCF-style: chr2-179440070-C-CAGTT.
Other names: c.65862_65865dup, p.Glu21956delinsAsnTer (NM_001256850.1); c.43590_43593dup, p.Glu14532delinsAsnTer (NM_003319.4); c.63081_63084dup, p.Glu21029delinsAsnTer (NM_133378.4); c.43965_43968dup, p.Glu14657delinsAsnTer (NM_133432.3); c.44166_44169dup, p.Glu14724delinsAsnTer (NM_133437.4).
Identifiers: ClinVar variation 1465773 (VCV001465773.8), dbSNP rs2154172210, ClinGen allele CA2573134319.

ClinVar aggregate classification (germline): Likely pathogenic (1 of 4 stars; one submission).

Conditions:
Dilated cardiomyopathy 1G (CMD1G). Identifiers: Orphanet 154, MedGen C1858763, MONDO:0011400, OMIM 604145.
Autosomal recessive limb-girdle muscular dystrophy type 2J (LGMDR10). Also called: Limb-girdle muscular dystrophy, type 2J; MUSCULAR DYSTROPHY, LIMB-GIRDLE, AUTOSOMAL RECESSIVE 10. Identifiers: Orphanet 140922, MedGen C1837342, MONDO:0012127, OMIM 608807.

Submission:

Labcorp Genetics (formerly Invitae), Labcorp
Classification: Likely pathogenic for Dilated cardiomyopathy 1G; Autosomal recessive limb-girdle muscular dystrophy type 2J. Last evaluated: 2020-11-28. Review status: criteria provided, single submitter. Criteria: Invitae Variant Classification Sherloc (09022015). Collection method: clinical testing. Allele origin: germline.
Comment: In summary, the currently available evidence indicates that the variant is pathogenic, but additional data are needed to prove that conclusively. Therefore, this variant has been classified as Likely Pathogenic. This variant is located in the A band of TTN (PMID: 25589632). Truncating variants in this region are significantly overrepresented in patients affected with dilated cardiomyopathy (PMID: 25589632). Truncating variants in this region have also been reported in individuals affected with autosomal recessive centronuclear myopathy (PMID: 23975875). This variant has not been reported in the literature in individuals with TTN-related conditions. This variant is not present in population databases (ExAC no frequency). This sequence change creates a premature translational stop signal (p.Glu23597Asnfs*2) in the TTN gene. While this is not anticipated to result in nonsense mediated decay, it is expected to create a truncated TTN protein.

Literature cited by the submitters: PubMed 25589632; PubMed 23975875.